The following is an entry in ClinVar:

NM_032578.4(MYPN):c.754C>A (p.Pro252Thr)

Gene: MYPN (myopalladin; plus strand). Cytogenetic location: 10q21.3.
Variant type: single nucleotide variant.
Coding change: c.754C>A on transcript NM_032578.4 (MANE Select); coding-DNA position 754, C replaced by A.
Protein change: p.Pro252Thr; replaces proline 252 with threonine.
Molecular consequence: missense variant. On other transcripts: 5 prime UTR variant (1), non-coding transcript variant (1).
Genome position (GRCh38, 1-based): chr10:68,122,192, C>A. VCF-style: chr10-68122192-C-A. GRCh37 (hg19) VCF-style: chr10-69881949-C-A.
Other names: c.754C>A, p.Pro252Thr (NM_001256267.2); c.-369C>A (NM_001256268.2); short protein forms P252T.
Identifiers: ClinVar variation 3228179 (VCV003228179.1), dbSNP rs1214514195, ClinGen allele CA377105046.
Genomic context (GRCh38, chr10:68,122,192, plus strand): 5'-GAAGCCAAGAGGCGTGAAGCGGAGCAGGCTGCCAGTGAGGCGGCTGGTGGAGACACTACA[C>A]CAGGGTCTTCCCCTTCATCTCTGTACTATGAAGAACCTCTGGGGCAACCTCCCCGGTTCA-3'
Protein context (NP_115967.2, residues 242-262): ASEAAGGDTT[Pro252Thr]GSSPSSLYYE

ClinVar aggregate classification (germline): Uncertain significance (1 of 4 stars; one submission).

Conditions:
Cardiovascular phenotype. Identifiers: MedGen CN230736.

Allele frequency attached by ClinVar (database versions not stated): TOPMed below 0.00001.

Submission:

Ambry Genetics
Classification: Uncertain significance for Cardiovascular phenotype. Last evaluated: 2022-06-06. Review status: criteria provided, single submitter. Criteria: Ambry Variant Classification Scheme 2023. Collection method: clinical testing. Allele origin: germline.
Comment: The p.P252T variant (also known as c.754C>A), located in coding exon 1 of the MYPN gene, results from a C to A substitution at nucleotide position 754. The proline at codon 252 is replaced by threonine, an amino acid with highly similar properties. This amino acid position is conserved. In addition, this alteration is predicted to be tolerated by in silico analysis. Since supporting evidence is limited at this time, the clinical significance of this alteration remains unclear.